The following is an entry in ClinVar:

NM_000501.4(ELN):c.84_87dup (p.Pro30fs)

Gene: ELN (elastin; plus strand). Cytogenetic location: 7q11.23.
Variant type: Duplication.
Coding change: c.84_87dup on transcript NM_000501.4 (MANE Select); coding-DNA positions 84 to 87, 4 bases duplicated (GGTC; older notation c.84_87dupGGTC).
Protein change: p.Pro30fs; shifts the reading frame from proline 30.
Molecular consequence: frameshift variant.
Genome position (GRCh38, 1-based): chr7:74,035,365-74,035,368, GGTC duplicated. VCF-style (leftmost placement, unchanged base first): chr7-74035364-G-GGGTC. GRCh37 (hg19) VCF-style: chr7-73449694-G-GGGTC.
Other names: c.84_87dup, p.Pro30fs (NM_001278913.2, NM_001278914.2, NM_001278915.2 and 9 more transcripts); short protein forms P30fs.
Identifiers: ClinVar variation 3773872 (VCV003773872.1).

ClinVar aggregate classification (germline): Likely pathogenic (1 of 4 stars; one submission).

Conditions:
Supravalvar aortic stenosis (SVAS). Also called: Supravalvar aortic stenosis, Eisenberg type. Identifiers: Orphanet 3193, MedGen C0003499, MONDO:0008504, OMIM 185500, HP:0004381.

Submission:

Genomics, Clalit Research Institute, Clalit Health Care
Classification: Likely pathogenic for Supravalvar aortic stenosis. Last evaluated: 2025-01-19. Review status: criteria provided, single submitter. Criteria: ACMG Guidelines, 2015. Collection method: clinical testing. Allele origin: germline. Inheritance: Autosomal dominant inheritance. Affected: yes. Observed: 1 heterozygote.
Comment: Inheritance: The variant was identified in the Heterozygous state in the sample. Frequency: The variant is absent from the gnomAD reference population dataset. Variant type: Null variant (frameshift indel) in a gene where LOF is a known mechanism of disease. Predicted to undergo NMD.